The following is an entry in ClinVar:

NM_020800.3(IFT80):c.515T>A (p.Ile172Asn)

Genes: IFT80 (intraflagellar transport 80; minus strand), TRIM59-IFT80 (TRIM59-IFT80 readthrough (NMD candidate); minus strand). Cytogenetic location: 3q25.33.
Variant type: single nucleotide variant.
Coding change: c.515T>A on transcript NM_020800.3 (MANE Select); coding-DNA position 515, T replaced by A.
Protein change: p.Ile172Asn; replaces isoleucine 172 with asparagine.
Molecular consequence: missense variant. On other transcripts: non-coding transcript variant (3).
Genome position (GRCh38, 1-based): chr3:160,366,077, A>T on the plus strand (T>A on the coding strand, the complement: IFT80 is on the minus strand). VCF-style: chr3-160366077-A-T. GRCh37 (hg19) VCF-style: chr3-160083865-A-T.
Other names: c.515T>A (NM_020800.2); c.104T>A, p.Ile35Asn (NM_001190241.2, NM_001190242.2); short protein forms I172N, I35N.
Identifiers: ClinVar variation 1001402 (VCV001001402.7), dbSNP rs1215757424, ClinGen allele CA355193265.

ClinVar aggregate classification (germline): Uncertain significance. Review status: criteria provided, multiple submitters, no conflicts (2 of 4 stars). 2 submissions from 2 submitters: Uncertain significance (2). Last evaluated 2024-10-06.

Conditions:
Inborn genetic diseases. Identifiers: MedGen C0950123, MeSH D030342.
Jeune thoracic dystrophy. Also called: Jeune syndrome; Short-rib thoracic dysplasia; Infantile thoracic dystrophy; Thoracic pelvic phalangeal dystrophy; Jeune's syndrome; Chondroectodermal dysplasia-like syndrome. Identifiers: Orphanet 474, MedGen C0265275, MONDO:0018770.

Allele frequency attached by ClinVar (database versions not stated): gnomAD exomes below 0.00001.
gnomAD v4.1: 53 of 1,612,854 alleles (0.0033%); highest among the groups gnomAD compares: Non-Finnish European, 0.004%; no homozygotes.

Submissions (2):

Ambry Genetics
Classification: Uncertain significance for Inborn genetic diseases. Last evaluated: 2024-10-06. Review status: criteria provided, single submitter. Criteria: Ambry Variant Classification Scheme 2023. Collection method: clinical testing. Allele origin: germline.

Labcorp Genetics (formerly Invitae), Labcorp
Classification: Uncertain significance for Jeune thoracic dystrophy. Last evaluated: 2022-02-04. Review status: criteria provided, single submitter. Criteria: Invitae Variant Classification Sherloc (09022015). Collection method: clinical testing. Allele origin: germline.
Comment: This sequence change replaces isoleucine, which is neutral and non-polar, with asparagine, which is neutral and polar, at codon 172 of the IFT80 protein (p.Ile172Asn). This variant is present in population databases (no rsID available, gnomAD 0.004%). This variant has not been reported in the literature in individuals affected with IFT80-related conditions. ClinVar contains an entry for this variant (Variation ID: 1001402). Algorithms developed to predict the effect of missense changes on protein structure and function (SIFT, PolyPhen-2, Align-GVGD) all suggest that this variant is likely to be disruptive. In summary, the available evidence is currently insufficient to determine the role of this variant in disease. Therefore, it has been classified as a Variant of Uncertain Significance.